The following is an entry in ClinVar:

NM_007194.4(CHEK2):c.1375+15G>T

Gene: CHEK2 (checkpoint kinase 2; minus strand). Cytogenetic location: 22q12.1.
Variant type: single nucleotide variant.
Coding change: c.1375+15G>T on transcript NM_007194.4 (MANE Select); 15 bases into the intron after coding-DNA position 1375, G replaced by T.
Molecular consequence: intron variant.
Genome position (GRCh38, 1-based): chr22:28,695,112, C>A on the plus strand (G>T on the coding strand, the complement: CHEK2 is on the minus strand). VCF-style: chr22-28695112-C-A. GRCh37 (hg19) VCF-style: chr22-29091100-C-A.
Other names: c.712+15G>T (NM_001437942.1, NM_001257387.3); c.1174+15G>T (NM_001349956.3); c.1288+15G>T (NM_145862.3); c.1381+15G>T (NM_001438295.1); c.1468+15G>T (NM_001438293.1); c.1417+15G>T (NM_001438294.1); c.1504+15G>T (NM_001005735.3).
Identifiers: ClinVar variation 383005 (VCV000383005.1), dbSNP rs1057521502, ClinGen allele CA16609082.
Genomic context (GRCh38, chr22:28,695,112, plus strand): 5'-TTTGGGAAGAAACTCCCACCACAGCACATACACATTTTAGCATACCACAAATTCTTAACC[C>A]TTTCATATTCATACCTTTCTCTGAGACTTCTGCCCAGACTTCAGGAATGAAGTTGTATTT-3'

ClinVar aggregate classification (germline): Likely benign (1 of 4 stars; one submission).

Allele frequency attached by ClinVar (database versions not stated): TOPMed below 0.00001.

Submission:

GeneDx
Classification: Likely benign. Last evaluated: 2016-01-13. Review status: criteria provided, single submitter. Criteria: GeneDx Variant Classification (06012015). Collection method: clinical testing. Allele origin: germline. Affected: yes.
Comment: This variant is considered likely benign or benign based on one or more of the following criteria: it is a conservative change, it occurs at a poorly conserved position in the protein, it is predicted to be benign by multiple in silico algorithms, and/or has population frequency not consistent with disease.